The following is an entry in ClinVar:

ClinVar aggregate classification (germline): Uncertain significance (1 of 4 stars; one submission).

Allele frequency attached by ClinVar (database versions not stated): TOPMed 0.00001; gnomAD exomes 0.00002.
gnomAD v4.1: 9 of 1,613,898 alleles (0.00056%); highest among the groups gnomAD compares: Admixed American, 0.013%; no homozygotes.

Submission:

Labcorp Genetics (formerly Invitae), Labcorp
Classification: Uncertain significance. Last evaluated: 2024-06-09. Review status: criteria provided, single submitter. Criteria: Invitae Variant Classification Sherloc (09022015). Collection method: clinical testing. Allele origin: germline.
Comment: This sequence change replaces tyrosine, which is neutral and polar, with asparagine, which is neutral and polar, at codon 726 of the SLC26A3 protein (p.Tyr726Asn). This variant is present in population databases (rs750975910, gnomAD 0.02%). This variant has not been reported in the literature in individuals affected with SLC26A3-related conditions. ClinVar contains an entry for this variant (Variation ID: 1967365). Advanced modeling of protein sequence and biophysical properties (such as structural, functional, and spatial information, amino acid conservation, physicochemical variation, residue mobility, and thermodynamic stability) performed at Invitae indicates that this missense variant is not expected to disrupt SLC26A3 protein function with a negative predictive value of 95%. In summary, the available evidence is currently insufficient to determine the role of this variant in disease. Therefore, it has been classified as a Variant of Uncertain Significance.

NM_000111.3(SLC26A3):c.2176T>A (p.Tyr726Asn)

Gene: SLC26A3 (solute carrier family 26 member 3; minus strand). Cytogenetic location: 7q22.3.
Variant type: single nucleotide variant.
Coding change: c.2176T>A on transcript NM_000111.3 (MANE Select); coding-DNA position 2176, T replaced by A.
Protein change: p.Tyr726Asn; replaces tyrosine 726 with asparagine.
Molecular consequence: missense variant.
Genome position (GRCh38, 1-based): chr7:107,767,795, A>T on the plus strand (T>A on the coding strand, the complement: SLC26A3 is on the minus strand). VCF-style: chr7-107767795-A-T. GRCh37 (hg19) VCF-style: chr7-107408240-A-T.
Other names: short protein forms Y726N.
Identifiers: ClinVar variation 1967365 (VCV001967365.4), dbSNP rs750975910, ClinGen allele CA4433560.